The following is an entry in ClinVar:

ClinVar aggregate classification (germline): Conflicting classifications of pathogenicity. Review status: criteria provided, conflicting classifications (1 of 4 stars). 2 submissions from 2 submitters: Uncertain significance (1); Likely benign (1). Last evaluated 2025-02-18.

Conditions:
Nemaline myopathy 2 (NEM2). Also called: Nemaline myopathy 2, autosomal recessive. Identifiers: MedGen C1850569, MONDO:0009725, OMIM 256030.

Submissions (2):

GeneDx
Classification: Uncertain significance. Last evaluated: 2025-02-18. Review status: criteria provided, single submitter. Criteria: GeneDx Variant Classification Process June 2021. Collection method: clinical testing. Allele origin: germline. Affected: yes.
Comment: In silico analysis supports a deleterious effect on splicing; In silico analysis indicates that this variant does not alter protein structure/function; Has not been previously published as pathogenic or benign to our knowledge

Labcorp Genetics (formerly Invitae), Labcorp
Classification: Likely benign for Nemaline myopathy 2. Last evaluated: 2020-03-07. Review status: criteria provided, single submitter. Criteria: Invitae Variant Classification Sherloc (09022015). Collection method: clinical testing. Allele origin: germline.

NM_001164508.2(NEB):c.9124_9126delinsCGT (p.Cys3042Arg)

Gene: NEB (nebulin; minus strand). Cytogenetic location: 2q23.3.
Variant type: Indel.
Coding change: c.9124_9126delinsCGT on transcript NM_001164508.2 (MANE Select); coding-DNA positions 9124 to 9126, TGC replaced by CGT.
Protein change: p.Cys3042Arg; replaces cysteine 3042 with arginine.
Molecular consequence: missense variant. On other transcripts: intron variant (1).
Genome position (GRCh38, 1-based): chr2:151,633,942-151,633,944, GCA replaced by ACG on the plus strand (TGC replaced by CGT on the coding strand, the reverse complement: NEB is on the minus strand). VCF-style: chr2-151633942-GCA-ACG. GRCh37 (hg19) VCF-style: chr2-152490456-GCA-ACG.
Other names: c.9124_9126delinsCGT, p.Cys3042Arg (NM_001164507.2, NM_001271208.2); c.8854-2766_8854-2764delinsCGT (NM_004543.5); c.9124_9126delinsCGT (NM_001271208.1); short protein forms C3042R.
Identifiers: ClinVar variation 4075466 (VCV004075466.2).